The following is an entry in ClinVar:

ClinVar aggregate classification (germline): Uncertain significance. Review status: criteria provided, multiple submitters, no conflicts (2 of 4 stars). 2 submissions from 2 submitters: Uncertain significance (2). Last evaluated 2024-11-21.

Conditions:
Baller-Gerold syndrome (BGS). Also called: CRANIOSYNOSTOSIS WITH RADIAL DEFECTS. Identifiers: Orphanet 1225, MedGen C0265308, MONDO:0009039, OMIM 218600.
Inborn genetic diseases. Identifiers: MedGen C0950123, MeSH D030342.

Allele frequency attached by ClinVar (database versions not stated): TOPMed below 0.00001; gnomAD 0.00001.

Submissions (2):

Ambry Genetics
Classification: Uncertain significance for Inborn genetic diseases. Last evaluated: 2024-11-21. Review status: criteria provided, single submitter. Criteria: Ambry Variant Classification Scheme 2023. Collection method: clinical testing. Allele origin: germline.
Comment: The p.P873L variant (also known as c.2618C>T), located in coding exon 15 of the RECQL4 gene, results from a C to T substitution at nucleotide position 2618. The proline at codon 873 is replaced by leucine, an amino acid with similar properties. This amino acid position is conserved. In addition, this alteration is predicted to be tolerated by in silico analysis. Based on the available evidence, the clinical significance of this variant remains unclear.

Labcorp Genetics (formerly Invitae), Labcorp
Classification: Uncertain significance for Baller-Gerold syndrome. Last evaluated: 2021-09-02. Review status: criteria provided, single submitter. Criteria: Invitae Variant Classification Sherloc (09022015). Collection method: clinical testing. Allele origin: germline.
Comment: Algorithms developed to predict the effect of missense changes on protein structure and function output the following: SIFT: "Not Available"; PolyPhen-2: "Not Available"; Align-GVGD: "Not Available". The leucine amino acid residue is found in multiple mammalian species, which suggests that this missense change does not adversely affect protein function. In summary, the available evidence is currently insufficient to determine the role of this variant in disease. Therefore, it has been classified as a Variant of Uncertain Significance. ClinVar contains an entry for this variant (Variation ID: 944111). This variant has not been reported in the literature in individuals affected with RECQL4-related conditions. This variant is not present in population databases (ExAC no frequency). This sequence change replaces proline with leucine at codon 873 of the RECQL4 protein (p.Pro873Leu). The proline residue is moderate conserved and there is a moderately physicochemical difference between proline and leucine.

NM_004260.4(RECQL4):c.2618C>T (p.Pro873Leu)

Gene: RECQL4 (RecQ like helicase 4; minus strand). Cytogenetic location: 8q24.3.
Variant type: single nucleotide variant.
Coding change: c.2618C>T on transcript NM_004260.4 (MANE Select); coding-DNA position 2618, C replaced by T.
Protein change: p.Pro873Leu; replaces proline 873 with leucine.
Molecular consequence: missense variant.
Genome position (GRCh38, 1-based): chr8:144,512,984, G>A on the plus strand (C>T on the coding strand, the complement: RECQL4 is on the minus strand). VCF-style: chr8-144512984-G-A. GRCh37 (hg19) VCF-style: chr8-145738367-G-A.
Other names: short protein forms P873L.
Identifiers: ClinVar variation 944111 (VCV000944111.7), dbSNP rs1158920004, ClinGen allele CA372676828.